The following is an entry in ClinVar:

NM_002661.5(PLCG2):c.1467+125C>T

Gene: PLCG2 (phospholipase C gamma 2; plus strand). Cytogenetic location: 16q23.3.
Variant type: single nucleotide variant.
Coding change: c.1467+125C>T on transcript NM_002661.5 (MANE Select); 125 bases into the intron after coding-DNA position 1467, C replaced by T.
Molecular consequence: intron variant.
Genome position (GRCh38, 1-based): chr16:81,905,632, C>T. VCF-style: chr16-81905632-C-T. GRCh37 (hg19) VCF-style: chr16-81939237-C-T.
Identifiers: ClinVar variation 1246635 (VCV001246635.4), dbSNP rs4264387, ClinGen allele CA14303781.

ClinVar aggregate classification (germline): Benign. Review status: criteria provided, multiple submitters, no conflicts (2 of 4 stars). 2 submissions from 2 submitters: Benign (2). Last evaluated 2024-01-24.

Allele frequency attached by ClinVar (database versions not stated): gnomAD 0.73362 and 0.74061; TOPMed 0.74327; 1000 Genomes Project 30x 0.77577; 1000 Genomes Project 0.78115; gnomAD exomes 0.78285.
gnomAD v4.1: 501,752 of 649,060 alleles (77%); highest among the groups gnomAD compares: East Asian, 97%; 195,906 homozygotes.

Submissions (2):

Unidad de Genómica Garrahan, Hospital de Pediatría Garrahan
Classification: Benign. Last evaluated: 2024-01-24. Review status: criteria provided, single submitter. Criteria: ACMG Guidelines, 2015. Collection method: clinical testing. Allele origin: germline. Affected: no. Observed: 44 variant alleles.
Comment: This variant is classified as Benign based on local population frequency. This variant was detected in 46% of patients studied by a panel of primary immunodeficiencies. Number of patients: 44. Only high quality variants are reported.

GeneDx
Classification: Benign. Last evaluated: 2021-05-14. Review status: criteria provided, single submitter. Criteria: GeneDx Variant Classification Process June 2021. Collection method: clinical testing. Allele origin: germline. Affected: yes.